The following is an entry in ClinVar:

NM_032043.3(BRIP1):c.3533A>G (p.Glu1178Gly)

Gene: BRIP1 (BRCA1 interacting DNA helicase 1; minus strand). Cytogenetic location: 17q23.2.
Variant type: single nucleotide variant.
Coding change: c.3533A>G on transcript NM_032043.3 (MANE Select); coding-DNA position 3533, A replaced by G.
Protein change: p.Glu1178Gly; replaces glutamic acid 1178 with glycine.
Molecular consequence: missense variant.
Genome position (GRCh38, 1-based): chr17:61,683,513, T>C on the plus strand (A>G on the coding strand, the complement: BRIP1 is on the minus strand). VCF-style: chr17-61683513-T-C. GRCh37 (hg19) VCF-style: chr17-59760874-T-C.
Other names: short protein forms E1178G.
Identifiers: ClinVar variation 2129604 (VCV002129604.5), dbSNP rs752850661, ClinGen allele CA400478383.

ClinVar aggregate classification (germline): Conflicting classifications of pathogenicity. Review status: criteria provided, conflicting classifications (1 of 4 stars). 2 submissions from 2 submitters: Uncertain significance (1); Likely benign (1). Last evaluated 2025-12-08.

Conditions:
Familial cancer of breast. Also called: BREAST CANCER, FAMILIAL; Hereditary breast cancer; hereditary breast carcinoma. Identifiers: Orphanet 227535, MedGen C0346153, MONDO:0016419, OMIM 114480. Disease mechanism: loss of function.
Fanconi anemia complementation group J. Also called: BRIP1-Related Fanconi Anemia. Identifiers: Orphanet 84, MedGen C1836860, MONDO:0012187, OMIM 609054.
Hereditary cancer-predisposing syndrome. Also called: Hereditary Cancer Syndrome; Neoplastic Syndromes, Hereditary; Hereditary neoplastic syndrome; Tumor predisposition. Identifiers: Orphanet 140162, MedGen C0027672, MeSH D009386, MONDO:0015356.

Submissions (2):

Ambry Genetics
Classification: Likely benign for Hereditary cancer-predisposing syndrome. Last evaluated: 2025-12-08. Review status: criteria provided, single submitter. Criteria: Ambry Variant Classification Scheme 2023. Collection method: clinical testing. Allele origin: germline.

Labcorp Genetics (formerly Invitae), Labcorp
Classification: Uncertain significance for Familial cancer of breast; Fanconi anemia complementation group J. Last evaluated: 2024-02-22. Review status: criteria provided, single submitter. Criteria: Invitae Variant Classification Sherloc (09022015). Collection method: clinical testing. Allele origin: germline.
Comment: This sequence change replaces glutamic acid, which is acidic and polar, with glycine, which is neutral and non-polar, at codon 1178 of the BRIP1 protein (p.Glu1178Gly). This variant is not present in population databases (gnomAD no frequency). This variant has not been reported in the literature in individuals affected with BRIP1-related conditions. ClinVar contains an entry for this variant (Variation ID: 2129604). Algorithms developed to predict the effect of missense changes on protein structure and function output the following: SIFT: "Not Available"; PolyPhen-2: "Benign"; Align-GVGD: "Not Available". The glycine amino acid residue is found in multiple mammalian species, which suggests that this missense change does not adversely affect protein function. In summary, the available evidence is currently insufficient to determine the role of this variant in disease. Therefore, it has been classified as a Variant of Uncertain Significance.